The following is an entry in ClinVar:

NM_004183.4(BEST1):c.1667T>C (p.Leu556Ser)

Gene: BEST1 (bestrophin 1; plus strand). Cytogenetic location: 11q12.3.
Variant type: single nucleotide variant.
Coding change: c.1667T>C on transcript NM_004183.4 (MANE Select); coding-DNA position 1667, T replaced by C.
Protein change: p.Leu556Ser; replaces leucine 556 with serine.
Molecular consequence: missense variant. On other transcripts: non-coding transcript variant (1).
Genome position (GRCh38, 1-based): chr11:61,962,821, T>C. VCF-style: chr11-61962821-T-C. GRCh37 (hg19) VCF-style: chr11-61730293-T-C.
Other names: c.1487T>C, p.Leu496Ser (NM_001139443.3, NM_001300787.2); c.1406T>C, p.Leu469Ser (NM_001300786.2); c.1349T>C, p.Leu450Ser (NM_001363591.3); c.*562T>C (NM_001363592.2); c.695T>C, p.Leu232Ser (NM_001363593.3); short protein forms L469S, L556S, L232S, L450S, L496S.
Identifiers: ClinVar variation 1975662 (VCV001975662.5), dbSNP rs1188988717, ClinGen allele CA380850327.
Genomic context (GRCh38, chr11:61,962,821, plus strand): 5'-CTGTGGAGTTTAACCTGACGGATATGCCAGAGATCCCCGAAAATCACCTCAAAGAACCTT[T>C]GGAACAATCACCAACCAACATACACACTACACTCAAAGATCACATGGATCCTTATTGGGC-3'
Protein context (NP_004174.1, residues 546-566): EIPENHLKEP[Leu556Ser]EQSPTNIHTT

ClinVar aggregate classification (germline): Uncertain significance (1 of 4 stars; one submission).

Allele frequency attached by ClinVar (database versions not stated): gnomAD exomes below 0.00001; TOPMed 0.00001; gnomAD 0.00002.

Submission:

Labcorp Genetics (formerly Invitae), Labcorp
Classification: Uncertain significance. Last evaluated: 2023-12-01. Review status: criteria provided, single submitter. Criteria: Invitae Variant Classification Sherloc (09022015). Collection method: clinical testing. Allele origin: germline.
Comment: This sequence change replaces leucine, which is neutral and non-polar, with serine, which is neutral and polar, at codon 556 of the BEST1 protein (p.Leu556Ser). This variant is present in population databases (no rsID available, gnomAD 0.007%). This variant has not been reported in the literature in individuals affected with BEST1-related conditions. ClinVar contains an entry for this variant (Variation ID: 1975662). Algorithms developed to predict the effect of missense changes on protein structure and function output the following: SIFT: "Not Available"; PolyPhen-2: "Benign"; Align-GVGD: "Not Available". The serine amino acid residue is found in multiple mammalian species, which suggests that this missense change does not adversely affect protein function. In summary, the available evidence is currently insufficient to determine the role of this variant in disease. Therefore, it has been classified as a Variant of Uncertain Significance.